The following is an entry in ClinVar:

NM_025114.4(CEP290):c.516+60T>C

Gene: CEP290 (centrosomal protein 290; minus strand). Cytogenetic location: 12q21.32.
Variant type: single nucleotide variant.
Coding change: c.516+60T>C on transcript NM_025114.4 (MANE Select); 60 bases into the intron after coding-DNA position 516, T replaced by C.
Molecular consequence: intron variant.
Genome position (GRCh38, 1-based): chr12:88,130,485, A>G on the plus strand (T>C on the coding strand, the complement: CEP290 is on the minus strand). VCF-style: chr12-88130485-A-G. GRCh37 (hg19) VCF-style: chr12-88524262-A-G.
Identifiers: ClinVar variation 4882724 (VCV004882724.2).

ClinVar aggregate classification (germline): Uncertain significance (1 of 4 stars; one submission).

gnomAD v4.1: 340 of 1,594,478 alleles (0.021%); highest among the groups gnomAD compares: African/African-American, 0.43%; 1 homozygote.

Submission:

Dasa
Classification: Uncertain significance. Last evaluated: 2025-11-05. Review status: criteria provided, single submitter. Criteria: DASA Assertion Criteria. Collection method: clinical testing. Allele origin: germline.
Comment: NM_025114.4(CEP290):c.516+60T>C is an intronic variant. This variant is rare in population databases. The currently available literature and clinical evidence are not sufficient to establish a definitive association between this variant and the reported condition. Therefore, this variant is classified as a variant of uncertain significance.